The following is an entry in ClinVar:

ClinVar aggregate classification (germline): Uncertain significance (1 of 4 stars; one submission).

Conditions:
Dilated cardiomyopathy 1HH (CMD1HH). Identifiers: Orphanet 154, MedGen C3151293, MONDO:0013479, OMIM 613881.
Myofibrillar myopathy 6. Identifiers: Orphanet 199340, MedGen C2751831, MONDO:0013061, OMIM 612954.

Submission:

Labcorp Genetics (formerly Invitae), Labcorp
Classification: Uncertain significance for Dilated cardiomyopathy 1HH; Myofibrillar myopathy 6. Last evaluated: 2024-09-10. Review status: criteria provided, single submitter. Criteria: Invitae Variant Classification Sherloc (09022015). Collection method: clinical testing. Allele origin: germline.
Comment: This sequence change replaces glutamic acid, which is acidic and polar, with aspartic acid, which is acidic and polar, at codon 101 of the BAG3 protein (p.Glu101Asp). This variant is not present in population databases (gnomAD no frequency). This variant has not been reported in the literature in individuals affected with BAG3-related conditions. Invitae Evidence Modeling of protein sequence and biophysical properties (such as structural, functional, and spatial information, amino acid conservation, physicochemical variation, residue mobility, and thermodynamic stability) indicates that this missense variant is not expected to disrupt BAG3 protein function with a negative predictive value of 80%. In summary, the available evidence is currently insufficient to determine the role of this variant in disease. Therefore, it has been classified as a Variant of Uncertain Significance.

NM_004281.4(BAG3):c.303A>T (p.Glu101Asp)

Gene: BAG3 (BAG cochaperone 3; plus strand). Cytogenetic location: 10q26.11.
Variant type: single nucleotide variant.
Coding change: c.303A>T on transcript NM_004281.4 (MANE Select); coding-DNA position 303, A replaced by T.
Protein change: p.Glu101Asp; replaces glutamic acid 101 with aspartic acid.
Molecular consequence: missense variant.
Genome position (GRCh38, 1-based): chr10:119,669,973, A>T. VCF-style: chr10-119669973-A-T. GRCh37 (hg19) VCF-style: chr10-121429485-A-T.
Other names: short protein forms E101D.
Identifiers: ClinVar variation 3760972 (VCV003760972.2).
Genomic context (GRCh38, chr10:119,669,973, plus strand): 5'-AGGCCACCCTGTGTACCCCCAGCTCCGACCAGGCTACATTCCCATTCCTGTGCTCCATGA[A>T]GGCGCTGAGAACCGGCAGGTGCACCCTTTCCATGTCTATCCCCAGCCTGGGATGCAGCGA-3'
Protein context (NP_004272.2, residues 91-111): PGYIPIPVLH[Glu101Asp]GAENRQVHPF